The following is an entry in ClinVar:

NM_001130438.3(SPTAN1):c.4734G>A (p.Ser1578=)

Gene: SPTAN1 (spectrin alpha, non-erythrocytic 1; plus strand). Cytogenetic location: 9q34.11.
Variant type: single nucleotide variant.
Coding change: c.4734G>A on transcript NM_001130438.3 (MANE Select); coding-DNA position 4734, G replaced by A.
Protein change: p.Ser1578=; no amino-acid change (serine 1578 retained).
Molecular consequence: synonymous variant.
Genome position (GRCh38, 1-based): chr9:128,609,260, G>A. VCF-style: chr9-128609260-G-A. GRCh37 (hg19) VCF-style: chr9-131371539-G-A.
Other names: c.4674G>A, p.Ser1558= (NM_001195532.2, NM_001363765.2, NM_001375314.2); c.4734G>A, p.Ser1578= (NM_001363759.2, NM_001375310.1, NM_001375311.2 and 2 more transcripts); c.4770G>A, p.Ser1590= (NM_001375312.2, NM_001375318.1).
Identifiers: ClinVar variation 700377 (VCV000700377.21), dbSNP rs370640807, ClinGen allele CA5265259.

ClinVar aggregate classification (germline): Likely benign. Review status: criteria provided, multiple submitters, no conflicts (2 of 4 stars). 3 submissions from 3 submitters: Likely benign (3). Last evaluated 2025-05-01.

Conditions:
Early-infantile DEE. Also called: Ohtahara syndrome; Early infantile epileptic encephalopathy with suppression bursts; Early infantile epileptic encephalopathy. Identifiers: Orphanet 1934, MedGen C0393706, MONDO:0800491.

Allele frequency attached by ClinVar (database versions not stated): ExAC 0.00005; TOPMed 0.00006; ESP Exome Variant Server 0.00008.
gnomAD v4.1: 181 of 1,614,098 alleles (0.011%); highest among the groups gnomAD compares: Non-Finnish European, 0.014%; no homozygotes.

Submissions (3):

CeGaT Center for Human Genetics Tuebingen
Classification: Likely benign. Last evaluated: 2025-05-01. Review status: criteria provided, single submitter. Criteria: CeGaT Center For Human Genetics Tuebingen Variant Classification Criteria Version 2. Collection method: clinical testing. Allele origin: germline. Affected: yes. Observed: 1 variant allele.
Comment: SPTAN1: BP4, BP7

Labcorp Genetics (formerly Invitae), Labcorp
Classification: Likely benign for Early-infantile DEE. Last evaluated: 2024-08-17. Review status: criteria provided, single submitter. Criteria: Invitae Variant Classification Sherloc (09022015). Collection method: clinical testing. Allele origin: germline.

Blueprint Genetics
Classification: Likely benign. Last evaluated: 2023-09-19. Review status: criteria provided, single submitter. Criteria: ACMG Guidelines, 2015. Collection method: clinical testing. Allele origin: germline.